The following is an entry in ClinVar:

NM_025099.6(CTC1):c.1360del (p.Glu454fs)

Gene: CTC1 (CST telomere replication complex component 1; minus strand). Cytogenetic location: 17p13.1.
Variant type: Deletion.
Coding change: c.1360del on transcript NM_025099.6 (MANE Select); coding-DNA position 1360, one base deleted (G; older notation c.1360delG).
Protein change: p.Glu454fs; shifts the reading frame from glutamic acid 454.
Molecular consequence: frameshift variant. On other transcripts: non-coding transcript variant (1).
Genome position (GRCh38, 1-based): chr17:8,235,132, C deleted on the plus strand (G on the coding strand, the reverse complement: CTC1 is on the minus strand). VCF-style (leftmost placement, unchanged base first): chr17-8235131-TC-T. GRCh37 (hg19) VCF-style: chr17-8138449-TC-T.
Other names: c.1360delG (NM_025099.5); short protein forms E454fs.
Identifiers: ClinVar variation 1452442 (VCV001452442.10), dbSNP rs748852501, ClinGen allele CA8372368.

ClinVar aggregate classification (germline): Pathogenic/Likely pathogenic. Review status: criteria provided, multiple submitters, no conflicts (2 of 4 stars). 6 submissions from 6 submitters: Pathogenic (2); Likely pathogenic (4). Last evaluated 2026-05-21.

Conditions:
CTC1-related disorder. Also called: CTC1-related condition.
Dyskeratosis congenita. Identifiers: Orphanet 1775, MedGen C0265965, MONDO:0015780.
Cerebroretinal microangiopathy with calcifications and cysts 1 (CRMCC1). Identifiers: Orphanet 313838, MedGen C4552029, MONDO:0024564, OMIM 612199.

Allele frequency attached by ClinVar (database versions not stated): TOPMed 0.00001; ExAC 0.00002; gnomAD 0.00002; gnomAD exomes 0.00002.

Submissions (6):

PreventionGenetics, part of Exact Sciences
Classification: Likely pathogenic for CTC1-related condition. Last evaluated: 2026-05-21. Review status: criteria provided, single submitter. Criteria: ACMG Guidelines, 2015. Collection method: clinical testing. Allele origin: germline.
Comment: The CTC1 c.1360delG variant is predicted to result in a frameshift and premature protein termination (p.Glu454Serfs*9). This variant has been reported in the heterozygous state in multiple individuals with aplastic anemia/paroxysmal nocturnal hemoglobinuria, myelodysplastic syndrome and interstitial pulmonary fibrosis, and acute myeloid leukemia (Shen et al. 2019. PubMed ID: 30891747; Doubková et al. 2023. PubMed ID: 37404458; Samaraweera et al. 2021. PubMed ID: 34521114). This variant is reported in 0.0087% of alleles in individuals of Latino descent in gnomAD. Frameshift variants in CTC1 are expected to be pathogenic. This variant is interpreted as likely pathogenic.

Labcorp Genetics (formerly Invitae), Labcorp
Classification: Pathogenic for Dyskeratosis congenita. Last evaluated: 2026-01-05. Review status: criteria provided, single submitter. Criteria: Invitae Variant Classification Sherloc (09022015). Collection method: clinical testing. Allele origin: germline.
Comment: This sequence change creates a premature translational stop signal (p.Glu454Serfs*9) in the CTC1 gene. It is expected to result in an absent or disrupted protein product. Loss-of-function variants in CTC1 are known to be pathogenic (PMID: 22267198, 22387016). This variant is present in population databases (rs748852501, gnomAD 0.009%). This premature translational stop signal has been observed in individual(s) with aplastic anaemia (PMID: 30891747). ClinVar contains an entry for this variant (Variation ID: 1452442). Algorithms developed to predict the effect of sequence changes on RNA splicing suggest that this variant may disrupt the consensus splice site. For these reasons, this variant has been classified as Pathogenic.

Women's Health and Genetics/Laboratory Corporation of America, LabCorp
Classification: Pathogenic for Cerebroretinal microangiopathy with calcifications and cysts 1. Last evaluated: 2023-08-09. Review status: criteria provided, single submitter. Criteria: LabCorp Variant Classification Summary - May 2015. Collection method: clinical testing. Allele origin: germline.
Comment: Variant summary: CTC1 c.1360delG (p.Glu454SerfsX9) results in a premature termination codon, predicted to cause absence of the protein due to nonsense mediated decay, which is a commonly known mechanism for disease. The variant allele was found at a frequency of 1.6e-05 in 249436 control chromosomes (gnomAD). c.1360delG has been reported in the literature in an individual affected with aplastic anaemia and paroxysmal nocturnal haemoglobinuria (Shen_2019). The following publication has been ascertained in the context of this evaluation (PMID: 30891747). Two submitters have cited clinical-significance assessments for this variant to ClinVar after 2014, and classified the variant as pathogenic/likely pathogenic. Based on the evidence outlined above, the variant was classified as pathogenic.

Department of Pathology and Laboratory Medicine, Sinai Health System
Classification: Likely pathogenic for Cerebroretinal microangiopathy with calcifications and cysts 1. Last evaluated: 2023-01-24. Review status: criteria provided, single submitter. Criteria: ACMG Guidelines, 2015. Collection method: research. Allele origin: germline.

Blueprint Genetics
Classification: Likely pathogenic for CTC1-related disorders. Last evaluated: 2021-09-08. Review status: criteria provided, single submitter. Criteria: ACMG Guidelines, 2015. Collection method: clinical testing. Allele origin: germline. Affected: yes. Observed: 3 variant alleles.

Baylor Genetics
Classification: Likely pathogenic for Cerebroretinal microangiopathy with calcifications and cysts 1. Last evaluated: 2021-06-13. Review status: criteria provided, single submitter. Criteria: ACMG Guidelines, 2015. Collection method: clinical testing. Allele origin: unknown.

Literature cited by the submitters: PubMed 22267198 (cited by Labcorp Genetics (formerly Invitae), Labcorp); PubMed 22387016 (cited by Labcorp Genetics (formerly Invitae), Labcorp); PubMed 30891747 (cited by Labcorp Genetics (formerly Invitae), Labcorp and Women's Health and Genetics/Laboratory Corporation of America, LabCorp).